The following is an entry in ClinVar:

NM_001267550.2(TTN):c.94344dup (p.Glu31449fs)

Genes: TTN-AS1 (TTN antisense RNA 1; plus strand), TTN (titin; minus strand). Cytogenetic location: 2q31.2.
Variant type: Duplication.
Coding change: c.94344dup on transcript NM_001267550.2 (MANE Select); coding-DNA position 94344, one base duplicated (A; older notation c.94344dupA).
Protein change: p.Glu31449fs; shifts the reading frame from glutamic acid 31449.
Molecular consequence: frameshift variant.
Genome position (GRCh38, 1-based): chr2:178,547,181, T duplicated on the plus strand (A on the coding strand, the reverse complement: TTN is on the minus strand); the first of 3 consecutive T bases (chr2:178,547,181-178,547,183); duplicating any one gives the same sequence. VCF-style (leftmost placement, unchanged base first): chr2-178547180-C-CT. GRCh37 (hg19) VCF-style: chr2-179411907-C-CT.
Other names: c.89421dup, p.Glu29808fs (NM_001256850.1); c.67149dup, p.Glu22384fs (NM_003319.4); c.86640dup, p.Glu28881fs (NM_133378.4); c.67524dup, p.Glu22509fs (NM_133432.3); c.67725dup, p.Glu22576fs (NM_133437.4); short protein forms E22384fs, E22509fs, E22576fs, E28881fs, E29808fs, E31449fs.
Identifiers: ClinVar variation 3755379 (VCV003755379.2).

ClinVar aggregate classification (germline): Likely pathogenic (1 of 4 stars; one submission).

Conditions:
Dilated cardiomyopathy 1G (CMD1G). Identifiers: Orphanet 154, MedGen C1858763, MONDO:0011400, OMIM 604145.
Autosomal recessive limb-girdle muscular dystrophy type 2J (LGMDR10). Also called: Limb-girdle muscular dystrophy, type 2J; MUSCULAR DYSTROPHY, LIMB-GIRDLE, AUTOSOMAL RECESSIVE 10. Identifiers: Orphanet 140922, MedGen C1837342, MONDO:0012127, OMIM 608807.

Submission:

Labcorp Genetics (formerly Invitae), Labcorp
Classification: Likely pathogenic for Dilated cardiomyopathy 1G; Autosomal recessive limb-girdle muscular dystrophy type 2J. Last evaluated: 2024-03-18. Review status: criteria provided, single submitter. Criteria: Invitae Variant Classification Sherloc (09022015). Collection method: clinical testing. Allele origin: germline.
Comment: This sequence change creates a premature translational stop signal (p.Glu31449Argfs*3) in the TTN gene. While this is not anticipated to result in nonsense mediated decay, it is expected to create a truncated TTN protein. This variant is not present in population databases (gnomAD no frequency). This variant has not been reported in the literature in individuals affected with TTN-related conditions. This variant is located in the A band of TTN (PMID: 25589632). Truncating variants in this region are significantly overrepresented in patients affected with dilated cardiomyopathy (PMID: 25589632). Truncating variants in this region have also been reported in individuals affected with autosomal recessive centronuclear myopathy (PMID: 23975875). In summary, the currently available evidence indicates that the variant is pathogenic, but additional data are needed to prove that conclusively. Therefore, this variant has been classified as Likely Pathogenic.

Literature cited by the submitters: PubMed 25589632; PubMed 23975875.